The following is an entry in ClinVar:

NM_015100.4(POGZ):c.1964A>G (p.Gln655Arg)

Gene: POGZ (pogo transposable element derived with ZNF domain; minus strand). Cytogenetic location: 1q21.3.
Variant type: single nucleotide variant.
Coding change: c.1964A>G on transcript NM_015100.4 (MANE Select); coding-DNA position 1964, A replaced by G.
Protein change: p.Gln655Arg; replaces glutamine 655 with arginine.
Molecular consequence: missense variant.
Genome position (GRCh38, 1-based): chr1:151,408,791, T>C on the plus strand (A>G on the coding strand, the complement: POGZ is on the minus strand). VCF-style: chr1-151408791-T-C. GRCh37 (hg19) VCF-style: chr1-151381267-T-C.
Other names: c.1937A>G, p.Gln646Arg (NM_001194937.2); c.1778A>G, p.Gln593Arg (NM_001194938.2); c.1679A>G, p.Gln560Arg (NM_145796.4); c.1805A>G, p.Gln602Arg (NM_207171.2); short protein forms Q560R, Q593R, Q602R, Q646R, Q655R.
Identifiers: ClinVar variation 1313995 (VCV001313995.2), dbSNP rs2102169023, ClinGen allele CA341960131.

ClinVar aggregate classification (germline): Uncertain significance (1 of 4 stars; one submission).

Allele frequency attached by ClinVar (database versions not stated): gnomAD exomes below 0.00001.
gnomAD v4.1: 1 of 1,614,062 alleles (0.000062%); highest among the groups gnomAD compares: Non-Finnish European, 0.000085%; no homozygotes.

Submission:

GeneDx
Classification: Uncertain significance. Last evaluated: 2021-01-11. Review status: criteria provided, single submitter. Criteria: GeneDx Variant Classification Process June 2021. Collection method: clinical testing. Allele origin: germline. Affected: yes.
Comment: Not observed in large population cohorts (Lek et al., 2016); In silico analysis supports that this missense variant has a deleterious effect on protein structure/function; Has not been previously published as pathogenic or benign to our knowledge